The following is an entry in ClinVar:

NM_003410.4(ZFX):c.715G>T (p.Asp239Tyr)

Gene: ZFX (zinc finger protein X-linked; plus strand). Cytogenetic location: Xp22.11.
Variant type: single nucleotide variant.
Coding change: c.715G>T on transcript NM_003410.4 (MANE Select); coding-DNA position 715, G replaced by T.
Protein change: p.Asp239Tyr; replaces aspartic acid 239 with tyrosine.
Molecular consequence: missense variant.
Genome position (GRCh38, 1-based): chrX:24,207,394, G>T. VCF-style: chrX-24207394-G-T. GRCh37 (hg19) VCF-style: chrX-24225511-G-T.
Other names: c.715G>T, p.Asp239Tyr (NM_001178084.2, NM_001178085.1, NM_001178095.2); c.28G>T, p.Asp10Tyr (NM_001178086.2); c.832G>T, p.Asp278Tyr (NM_001330327.2); short protein forms D10Y, D239Y, D278Y.
Identifiers: ClinVar variation 3342764 (VCV003342764.1).

ClinVar aggregate classification (germline): Uncertain significance (1 of 4 stars; one submission).

Submission:

GeneDx
Classification: Uncertain significance. Last evaluated: 2023-07-05. Review status: criteria provided, single submitter. Criteria: GeneDx Variant Classification Process June 2021. Collection method: clinical testing. Allele origin: germline. Affected: yes.
Comment: Not observed at significant frequency in large population cohorts (gnomAD); In silico analysis supports that this missense variant has a deleterious effect on protein structure/function; Has not been previously published as pathogenic or benign to our knowledge; Variants in candidate genes are classified as variants of uncertain significance in accordance with ACMG guidelines (Richards et al., 2015)